The following is an entry in ClinVar:

ClinVar aggregate classification (germline): Uncertain significance (1 of 4 stars; one submission).

Conditions:
SLC1A2-related disorder. Also called: SLC1A2-related condition.

Submission:

PreventionGenetics, part of Exact Sciences
Classification: Uncertain significance for SLC1A2-related condition. Last evaluated: 2023-02-27. Review status: criteria provided, single submitter. Criteria: ACMG Guidelines, 2015. Collection method: clinical testing. Allele origin: germline.
Comment: The SLC1A2 c.951G>A variant is predicted to result in the amino acid substitution p.Met317Ile. To our knowledge, this variant has not been reported in the literature or in a large population database, indicating this variant is rare. At this time, the clinical significance of this variant is uncertain due to the absence of conclusive functional and genetic evidence.

NM_004171.4(SLC1A2):c.951G>A (p.Met317Ile)

Gene: SLC1A2 (solute carrier family 1 member 2; minus strand). Cytogenetic location: 11p13.
Variant type: single nucleotide variant.
Coding change: c.951G>A on transcript NM_004171.4 (MANE Select); coding-DNA position 951, G replaced by A.
Protein change: p.Met317Ile; replaces methionine 317 with isoleucine.
Molecular consequence: missense variant.
Genome position (GRCh38, 1-based): chr11:35,292,427, C>T on the plus strand (G>A on the coding strand, the complement: SLC1A2 is on the minus strand). VCF-style: chr11-35292427-C-T. GRCh37 (hg19) VCF-style: chr11-35313974-C-T.
Other names: c.924G>A, p.Met308Ile (NM_001195728.3, NM_001252652.2); short protein forms M308I, M317I.
Identifiers: ClinVar variation 2630308 (VCV002630308.1), dbSNP rs2497774098, ClinGen allele CA380124947.